The following is an entry in ClinVar:

NM_013275.6(ANKRD11):c.1499G>A (p.Gly500Asp)

Gene: ANKRD11 (ankyrin repeat domain 11; minus strand). Cytogenetic location: 16q24.3.
Variant type: single nucleotide variant.
Coding change: c.1499G>A on transcript NM_013275.6 (MANE Select); coding-DNA position 1499, G replaced by A.
Protein change: p.Gly500Asp; replaces glycine 500 with aspartic acid.
Molecular consequence: missense variant.
Genome position (GRCh38, 1-based): chr16:89,285,043, C>T on the plus strand (G>A on the coding strand, the complement: ANKRD11 is on the minus strand). VCF-style: chr16-89285043-C-T. GRCh37 (hg19) VCF-style: chr16-89351451-C-T.
Other names: c.1499G>A, p.Gly500Asp (NM_001256182.2, NM_001256183.2); short protein forms G500D.
Identifiers: ClinVar variation 1719458 (VCV001719458.5), dbSNP rs2544244723, ClinGen allele CA397164822.
Genomic context (GRCh38, chr16:89,285,043, plus strand): 5'-GCAGAGAGGGAGCTGAACAGGGAGGGGTCCTTCAGCACCAGCGGGGACCCCTTGAGGCAG[C>T]CAGAGCTCCCCAGAGAGTCCCTGTCATCCTCCCCACTCTCTGAGGACTCGCTCTCCGACT-3'
Protein context (NP_037407.4, residues 490-510): EDDRDSLGSS[Gly500Asp]CLKGSPLVLK

ClinVar aggregate classification (germline): Uncertain significance (1 of 4 stars; one submission).

Conditions:
KBG syndrome (KBGS). Also called: ANKRD11-Related KBG Syndrome. Identifiers: Orphanet 2332, MedGen C0220687, MONDO:0007846, OMIM 148050.

Allele frequency attached by ClinVar (database versions not stated): gnomAD exomes below 0.00001.
gnomAD v4.1: 1 of 1,613,936 alleles (0.000062%); highest among the groups gnomAD compares: Non-Finnish European, 0.000085%; no homozygotes.

Submission:

Labcorp Genetics (formerly Invitae), Labcorp
Classification: Uncertain significance for KBG syndrome. Last evaluated: 2022-09-14. Review status: criteria provided, single submitter. Criteria: Invitae Variant Classification Sherloc (09022015). Collection method: clinical testing. Allele origin: germline.
Comment: This sequence change replaces glycine, which is neutral and non-polar, with aspartic acid, which is acidic and polar, at codon 500 of the ANKRD11 protein (p.Gly500Asp). This variant is not present in population databases (gnomAD no frequency). This variant has not been reported in the literature in individuals affected with ANKRD11-related conditions. Advanced modeling of protein sequence and biophysical properties (such as structural, functional, and spatial information, amino acid conservation, physicochemical variation, residue mobility, and thermodynamic stability) performed at Invitae indicates that this missense variant is not expected to disrupt ANKRD11 protein function. In summary, the available evidence is currently insufficient to determine the role of this variant in disease. Therefore, it has been classified as a Variant of Uncertain Significance.